The following is an entry in ClinVar:

NM_014846.4(WASHC5):c.1408+4A>C

Gene: WASHC5 (WASH complex subunit 5; minus strand). Cytogenetic location: 8q24.13.
Variant type: single nucleotide variant.
Coding change: c.1408+4A>C on transcript NM_014846.4 (MANE Select); 4 bases into the intron after coding-DNA position 1408, A replaced by C.
Molecular consequence: intron variant.
Genome position (GRCh38, 1-based): chr8:125,063,518, T>G on the plus strand (A>C on the coding strand, the complement: WASHC5 is on the minus strand). VCF-style: chr8-125063518-T-G. GRCh37 (hg19) VCF-style: chr8-126075760-T-G.
Other names: c.964+4A>C (NM_001330609.2).
Identifiers: ClinVar variation 220896 (VCV000220896.10), dbSNP rs780340651, ClinGen allele CA348306.

ClinVar aggregate classification (germline): Uncertain significance (1 of 4 stars; one submission).

Conditions:
Hereditary spastic paraplegia 8 (SPG8). Also called: SPASTIC PARAPLEGIA 8, AUTOSOMAL DOMINANT. Identifiers: Orphanet 100989, MedGen C1863704, MONDO:0011339, OMIM 603563.
Ritscher-Schinzel syndrome. Also called: CRANIOCEREBELLOCARDIAC DYSPLASIA. Identifiers: Orphanet 7, MedGen C0796137, MONDO:0019078.

Allele frequency attached by ClinVar (database versions not stated): gnomAD 0.00001; ExAC 0.00001.
gnomAD v4.1: 11 of 1,613,580 alleles (0.00068%); highest among the groups gnomAD compares: Non-Finnish European, 0.00093%; no homozygotes.

Submissions (2):

Labcorp Genetics (formerly Invitae), Labcorp
Classification: Uncertain significance for Ritscher-Schinzel syndrome; Hereditary spastic paraplegia 8. Last evaluated: 2015-10-29. Review status: criteria provided, single submitter. Criteria: Invitae Variant Classification Sherloc (09022015). Collection method: clinical testing. Allele origin: germline.
Comment: This sequence change falls in intron 11 of the KIAA0196 mRNA. It does not directly change the encoded amino acid sequence of the KIAA0196 protein. This variant is not present in population databases and has not been reported in the literature. Algorithms developed to predict the effect of nucleotide changes on mRNA splicing suggest that this intronic variant may alter mRNA splicing, but this prediction has not been confirmed by published transcriptional studies. In summary, this is a novel missense change with uncertain impact on protein function. It has been classified as a Variant of Uncertain Significance.

Dr. Peter K. Rogan Lab, Western University
No classification provided (evidence only). Condition: Lung cancer. Review status: no classification provided. Collection method: in vitro. Allele origin: not applicable. Functional consequence: retained intron. Not counted in ClinVar's aggregate classification.